The following is an entry in ClinVar:

NM_182493.3(MYLK3):c.2245C>T (p.Arg749Trp)

Gene: MYLK3 (myosin light chain kinase 3; minus strand). Cytogenetic location: 16q11.2.
Variant type: single nucleotide variant.
Coding change: c.2245C>T on transcript NM_182493.3 (MANE Select); coding-DNA position 2245, C replaced by T.
Protein change: p.Arg749Trp; replaces arginine 749 with tryptophan.
Molecular consequence: missense variant.
Genome position (GRCh38, 1-based): chr16:46,710,659, G>A on the plus strand (C>T on the coding strand, the complement: MYLK3 is on the minus strand). VCF-style: chr16-46710659-G-A. GRCh37 (hg19) VCF-style: chr16-46744571-G-A.
Other names: c.1222C>T, p.Arg408Trp (NM_001308301.1); c.2245C>T (NM_182493.2); short protein forms R749W, R408W.
Identifiers: ClinVar variation 1353353 (VCV001353353.9), dbSNP rs372617133, ClinGen allele CA8037646.

ClinVar aggregate classification (germline): Uncertain significance. Review status: criteria provided, multiple submitters, no conflicts (2 of 4 stars). 2 submissions from 2 submitters: Uncertain significance (2). Last evaluated 2025-10-13.

Allele frequency attached by ClinVar (database versions not stated): gnomAD exomes 0.00004 and 0.00005; gnomAD 0.00005; ExAC 0.00006; TOPMed 0.00006; ESP Exome Variant Server 0.00008.

Submissions (2):

Labcorp Genetics (formerly Invitae), Labcorp
Classification: Uncertain significance. Last evaluated: 2025-10-13. Review status: criteria provided, single submitter. Criteria: Invitae Variant Classification Sherloc (09022015). Collection method: clinical testing. Allele origin: germline.
Comment: This sequence change replaces arginine, which is basic and polar, with tryptophan, which is neutral and slightly polar, at codon 749 of the MYLK3 protein (p.Arg749Trp). This variant is present in population databases (rs372617133, gnomAD 0.02%). This variant has not been reported in the literature in individuals affected with MYLK3-related conditions. ClinVar contains an entry for this variant (Variation ID: 1353353). An algorithm developed to predict the effect of missense changes on protein structure and function (PolyPhen-2) suggests that this variant is likely to be disruptive. In summary, the available evidence is currently insufficient to determine the role of this variant in disease. Therefore, it has been classified as a Variant of Uncertain Significance.

Ambry Genetics
Classification: Uncertain significance. Last evaluated: 2024-07-26. Review status: criteria provided, single submitter. Criteria: Ambry Variant Classification Scheme 2023. Collection method: clinical testing. Allele origin: germline.